The following is an entry in ClinVar:

NM_000080.4(CHRNE):c.1172G>A (p.Ser391Asn)

Genes: CHRNE (cholinergic receptor nicotinic epsilon subunit; minus strand), LOC130060040 (ATAC-STARR-seq lymphoblastoid silent region 8049; plus strand). Cytogenetic location: 17p13.2.
Variant type: single nucleotide variant.
Coding change: c.1172G>A on transcript NM_000080.4 (MANE Select); coding-DNA position 1172, G replaced by A.
Protein change: p.Ser391Asn; replaces serine 391 with asparagine.
Molecular consequence: missense variant.
Genome position (GRCh38, 1-based): chr17:4,899,245, C>T on the plus strand (G>A on the coding strand, the complement: CHRNE is on the minus strand). VCF-style: chr17-4899245-C-T. GRCh37 (hg19) VCF-style: chr17-4802540-C-T.
Other names: short protein forms S391N.
Identifiers: ClinVar variation 2716887 (VCV002716887.3), dbSNP rs138546068, ClinGen allele CA397300298.

ClinVar aggregate classification (germline): Uncertain significance (1 of 4 stars; one submission).

Conditions:
Congenital myasthenic syndrome 4A. Also called: Myasthenic syndrome, congenital, 4a, slow-channel; CONGENITAL MYASTHENIC SYNDROME TYPE Ia1; MYASTHENIC SYNDROME, CONGENITAL, 4A, SLOW-CHANNEL, AUTOSOMAL RECESSIVE. Identifiers: Orphanet 590, MedGen C4225413, MONDO:0011600, OMIM 605809.

gnomAD v4.1: 9 of 1,606,776 alleles (0.00056%); highest among the groups gnomAD compares: Admixed American, 0.01%; no homozygotes.

Submission:

Labcorp Genetics (formerly Invitae), Labcorp
Classification: Uncertain significance for Congenital myasthenic syndrome 4A. Last evaluated: 2023-12-04. Review status: criteria provided, single submitter. Criteria: Invitae Variant Classification Sherloc (09022015). Collection method: clinical testing. Allele origin: germline.
Comment: This sequence change replaces serine, which is neutral and polar, with asparagine, which is neutral and polar, at codon 391 of the CHRNE protein (p.Ser391Asn). The frequency data for this variant in the population databases is considered unreliable, as metrics indicate poor data quality at this position in the gnomAD database. This variant has not been reported in the literature in individuals affected with CHRNE-related conditions. Advanced modeling of protein sequence and biophysical properties (such as structural, functional, and spatial information, amino acid conservation, physicochemical variation, residue mobility, and thermodynamic stability) performed at Invitae indicates that this missense variant is not expected to disrupt CHRNE protein function with a negative predictive value of 95%. In summary, the available evidence is currently insufficient to determine the role of this variant in disease. Therefore, it has been classified as a Variant of Uncertain Significance.